The following is an entry in ClinVar:

ClinVar aggregate classification (germline): Uncertain significance (1 of 4 stars; one submission).

Allele frequency attached by ClinVar (database versions not stated): TOPMed 0.00001.
gnomAD v4.1: 3 of 1,417,368 alleles (0.00021%); highest among the groups gnomAD compares: Non-Finnish European, 0.00028%; no homozygotes.

Submission:

Labcorp Genetics (formerly Invitae), Labcorp
Classification: Uncertain significance. Last evaluated: 2021-03-25. Review status: criteria provided, single submitter. Criteria: Invitae Variant Classification Sherloc (09022015). Collection method: clinical testing. Allele origin: germline.
Comment: This sequence change replaces valine with isoleucine at codon 8 of the ABHD12 protein (p.Val8Ile). The valine residue is moderately conserved and there is a small physicochemical difference between valine and isoleucine. In summary, the available evidence is currently insufficient to determine the role of this variant in disease. Therefore, it has been classified as a Variant of Uncertain Significance. Algorithms developed to predict the effect of missense changes on protein structure and function are either unavailable or do not agree on the potential impact of this missense change (SIFT: "Deleterious"; PolyPhen-2: "Benign"; Align-GVGD: "Class C0"). This variant has not been reported in the literature in individuals with ABHD12-related conditions. The frequency data for this variant in the population databases is considered unreliable, as metrics indicate insufficient coverage at this position in the ExAC database.

NM_001042472.3(ABHD12):c.22G>A (p.Val8Ile)

Genes: ABHD12 (abhydrolase domain containing 12, lysophospholipase; minus strand), LOC130065586 (ATAC-STARR-seq lymphoblastoid silent region 12752; plus strand). Cytogenetic location: 20p11.21.
Variant type: single nucleotide variant.
Coding change: c.22G>A on transcript NM_001042472.3 (MANE Select); coding-DNA position 22, G replaced by A.
Protein change: p.Val8Ile; replaces valine 8 with isoleucine.
Molecular consequence: missense variant.
Genome position (GRCh38, 1-based): chr20:25,390,682, C>T on the plus strand (G>A on the coding strand, the complement: ABHD12 is on the minus strand). VCF-style: chr20-25390682-C-T. GRCh37 (hg19) VCF-style: chr20-25371318-C-T.
Other names: c.22G>A, p.Val8Ile (NM_015600.5); short protein forms V8I.
Identifiers: ClinVar variation 1519601 (VCV001519601.8), dbSNP rs1466022514, ClinGen allele CA408445352.